The following is an entry in ClinVar:

NM_001127511.3(APC):c.-135C>G

Gene: APC (APC regulator of Wnt signaling pathway; plus strand). Cytogenetic location: 5q22.2.
Variant type: single nucleotide variant.
Coding change: c.-135C>G on transcript NM_001127511.3; 135 bases upstream of the start codon, C replaced by G.
Molecular consequence: 5 prime UTR variant. On other transcripts: non-coding transcript variant (2).
Genome position (GRCh38, 1-based): chr5:112,707,583, C>G. VCF-style: chr5-112707583-C-G. GRCh37 (hg19) VCF-style: chr5-112043280-C-G.
Other names: c.-318C>G (NM_001354895.2, NM_001407447.1, NM_001407452.1 and 3 more transcripts); c.-135C>G (NM_001354897.2, NM_001354902.2, NM_001407446.1); c.-85C>G (NM_001407448.1, NM_001407450.1, NM_001407457.1 and 1 more transcripts); c.-109C>G (NM_001407453.1); c.-1353C>G (NM_001407470.1, NM_001407472.1).
Identifiers: ClinVar variation 537580 (VCV000537580.9), dbSNP rs1311747020, ClinGen allele CA658796609.

ClinVar aggregate classification (germline): Uncertain significance (1 of 4 stars; one submission).

Conditions:
Familial adenomatous polyposis 1 (FAP1). Also called: FAMILIAL ADENOMATOUS POLYPOSIS 1, ATTENUATED; POLYPOSIS, ADENOMATOUS INTESTINAL. Identifiers: MedGen C2713442, MONDO:0021056, OMIM 175100. Disease mechanism: loss of function.

Submission:

Labcorp Genetics (formerly Invitae), Labcorp
Classification: Uncertain significance for Familial adenomatous polyposis 1. Last evaluated: 2023-06-23. Review status: criteria provided, single submitter. Criteria: Invitae Variant Classification Sherloc (09022015). Collection method: clinical testing. Allele origin: germline.
Comment: ClinVar contains an entry for this variant (Variation ID: 537580). In summary, the available evidence is currently insufficient to determine the role of this variant in disease. Therefore, it has been classified as a Variant of Uncertain Significance. Experimental studies and prediction algorithms are not available or were not evaluated, and the functional significance of this variant is currently unknown. This variant has not been reported in the literature in individuals affected with APC-related conditions. This variant is not present in population databases (gnomAD no frequency). This variant occurs in a non-coding region of the APC gene. It does not change the encoded amino acid sequence of the APC protein.